The following is an entry in ClinVar:

ClinVar aggregate classification (germline): Likely benign. Review status: criteria provided, multiple submitters, no conflicts (2 of 4 stars). 2 submissions from 2 submitters: Likely benign (2). Last evaluated 2024-11-22.

Allele frequency attached by ClinVar (database versions not stated): TOPMed 0.00006; 1000 Genomes Project 30x 0.00016; gnomAD 0.00017 and 0.00020; 1000 Genomes Project 0.00020; gnomAD exomes 0.00022 and 0.00024; ExAC 0.00029.
gnomAD v4.1: 355 of 1,613,786 alleles (0.022%); highest among the groups gnomAD compares: Non-Finnish European, 0.019%; 1 homozygote.

Submissions (2):

Blueprint Genetics
Classification: Likely benign. Last evaluated: 2024-11-22. Review status: criteria provided, single submitter. Criteria: ACMG Guidelines, 2015. Collection method: clinical testing. Allele origin: germline.

GeneDx
Classification: Likely benign. Last evaluated: 2015-10-12. Review status: criteria provided, single submitter. Criteria: GeneDx Variant Classification (06012015). Collection method: clinical testing. Allele origin: germline. Affected: yes.
Comment: This variant is considered likely benign or benign based on one or more of the following criteria: it is a conservative change, it occurs at a poorly conserved position in the protein, it is predicted to be benign by multiple in silico algorithms, and/or has population frequency not consistent with disease.

NM_002474.3(MYH11):c.*19G>A

Genes: MYH11 (myosin heavy chain 11; minus strand), NDE1 (nudE neurodevelopment protein 1; plus strand). Cytogenetic location: 16p13.11.
Variant type: single nucleotide variant.
Coding change: c.*19G>A on transcript NM_002474.3 (MANE Select); 19 bases downstream of the stop codon, G replaced by A.
Molecular consequence: 3 prime UTR variant. On other transcripts: intron variant (2).
Genome position (GRCh38, 1-based): chr16:15,703,972, C>T on the plus strand (G>A on the coding strand, the complement: MYH11 is on the minus strand). VCF-style: chr16-15703972-C-T. GRCh37 (hg19) VCF-style: chr16-15797829-C-T.
Other names: c.*160G>A (NM_001040113.2, NM_022844.3); c.*19G>A (NM_001040114.2); c.947+7112C>T (NM_001143979.2, NM_017668.3).
Identifiers: ClinVar variation 381045 (VCV000381045.2), dbSNP rs187644296, ClinGen allele CA7921036.